The following is an entry in ClinVar:

NM_001399.5(EDA):c.773C>A (p.Ser258Ter)

Gene: EDA (ectodysplasin A; plus strand). Cytogenetic location: Xq13.1.
Variant type: single nucleotide variant.
Coding change: c.773C>A on transcript NM_001399.5 (MANE Select); coding-DNA position 773, C replaced by A.
Protein change: p.Ser258Ter; replaces serine 258 with a stop codon.
Molecular consequence: nonsense.
Genome position (GRCh38, 1-based): chrX:70,030,500, C>A. VCF-style: chrX-70030500-C-A. GRCh37 (hg19) VCF-style: chrX-69250350-C-A.
Other names: c.773C>A, p.Ser258Ter (NM_001005609.2, NM_001005612.3, NM_001440761.1 and 1 more transcripts); short protein forms S258*.
Identifiers: ClinVar variation 4719047 (VCV004719047.1).

ClinVar aggregate classification (germline): Pathogenic (1 of 4 stars; one submission).

Conditions:
Hypohidrotic X-linked ectodermal dysplasia (XHED). Also called: ECTODERMAL DYSPLASIA, HYPOHIDROTIC, 1; CST SYNDROME; Anhidrotic ectodermal dysplasia X-linked; Christ Siemens Touraine syndrome; ECTODERMAL DYSPLASIA 1, HYPOHIDROTIC, X-LINKED; ECTODERMAL DYSPLASIA 1, HYPOHIDROTIC/HAIR/TOOTH TYPE, X-LINKED. Identifiers: Orphanet 181, Orphanet 238468, MedGen C0162359, MONDO:0010585, OMIM 305100.

Submission:

Labcorp Genetics (formerly Invitae), Labcorp
Classification: Pathogenic for Hypohidrotic X-linked ectodermal dysplasia. Last evaluated: 2025-05-06. Review status: criteria provided, single submitter. Criteria: Invitae Variant Classification Sherloc (09022015). Collection method: clinical testing. Allele origin: germline.
Comment: This sequence change creates a premature translational stop signal (p.Ser258*) in the EDA gene. It is expected to result in an absent or disrupted protein product. Loss-of-function variants in EDA are known to be pathogenic (PMID: 9683615). This variant is not present in population databases (gnomAD no frequency). This variant has not been reported in the literature in individuals affected with EDA-related conditions. Algorithms developed to predict the effect of sequence changes on RNA splicing suggest that this variant may disrupt the consensus splice site. For these reasons, this variant has been classified as Pathogenic.

Literature cited by the submitters: PubMed 9683615.